The following is an entry in ClinVar:

NM_001164508.2(NEB):c.17705C>T (p.Thr5902Ile)

Gene: NEB (nebulin; minus strand). Cytogenetic location: 2q23.3.
Variant type: single nucleotide variant.
Coding change: c.17705C>T on transcript NM_001164508.2 (MANE Select); coding-DNA position 17705, C replaced by T.
Protein change: p.Thr5902Ile; replaces threonine 5902 with isoleucine.
Molecular consequence: missense variant.
Genome position (GRCh38, 1-based): chr2:151,568,347, G>A on the plus strand (C>T on the coding strand, the complement: NEB is on the minus strand). VCF-style: chr2-151568347-G-A. GRCh37 (hg19) VCF-style: chr2-152424861-G-A.
Other names: c.17705C>T, p.Thr5902Ile (NM_001164507.2, NM_001271208.2); c.12602C>T, p.Thr4201Ile (NM_004543.5); short protein forms T4201I, T5902I.
Identifiers: ClinVar variation 1951536 (VCV001951536.2), dbSNP rs778652035, ClinGen allele CA348804913.

ClinVar aggregate classification (germline): Uncertain significance (1 of 4 stars; one submission).

Conditions:
Nemaline myopathy 2 (NEM2). Also called: Nemaline myopathy 2, autosomal recessive. Identifiers: MedGen C1850569, MONDO:0009725, OMIM 256030.

gnomAD v4.1: 1 of 1,613,696 alleles (0.000062%); highest among the groups gnomAD compares: African/African-American, 0.0013%; no homozygotes.

Submission:

Labcorp Genetics (formerly Invitae), Labcorp
Classification: Uncertain significance for Nemaline myopathy 2. Last evaluated: 2021-05-26. Review status: criteria provided, single submitter. Criteria: Invitae Variant Classification Sherloc (09022015). Collection method: clinical testing. Allele origin: germline.
Comment: This sequence change replaces threonine with isoleucine at codon 5902 of the NEB protein (p.Thr5902Ile). The threonine residue is moderately conserved and there is a moderate physicochemical difference between threonine and isoleucine. This variant is not present in population databases (ExAC no frequency). This variant has not been reported in the literature in individuals with NEB-related conditions. Algorithms developed to predict the effect of missense changes on protein structure and function are either unavailable or do not agree on the potential impact of this missense change (SIFT: "Deleterious"; PolyPhen-2: "Not Available"; Align-GVGD: "Class C0"). In summary, the available evidence is currently insufficient to determine the role of this variant in disease. Therefore, it has been classified as a Variant of Uncertain Significance.